The following is an entry in ClinVar:

NM_000492.4(CFTR):c.1331T>C (p.Ile444Thr)

Genes: CFTR (CF transmembrane conductance regulator; plus strand), CFTR-AS1 (CFTR antisense RNA 1; minus strand). Cytogenetic location: 7q31.2.
Variant type: single nucleotide variant.
Coding change: c.1331T>C on transcript NM_000492.4 (MANE Select); coding-DNA position 1331, T replaced by C.
Protein change: p.Ile444Thr; replaces isoleucine 444 with threonine.
Molecular consequence: missense variant.
Genome position (GRCh38, 1-based): chr7:117,548,762, T>C. VCF-style: chr7-117548762-T-C. GRCh37 (hg19) VCF-style: chr7-117188816-T-C.
Other names: short protein forms I444T.
Identifiers: ClinVar variation 551988 (VCV000551988.24), dbSNP rs397508191, ClinGen allele CA4450975.

ClinVar aggregate classification (germline): Conflicting classifications of pathogenicity. Review status: criteria provided, conflicting classifications (1 of 4 stars). 11 submissions from 11 submitters: Likely pathogenic (1); Uncertain significance (8). 2 of the submissions do not count toward it. Last evaluated 2025-12-16.

Conditions:
Cystic fibrosis (CF). Also called: MUCOVISCIDOSIS. Identifiers: Orphanet 586, MedGen C0010674, MONDO:0009061, OMIM 219700. Disease mechanism: loss of function.
CFTR-related disorder (CFTR-RD). Also called: CFTR-related disorders; CFTR-related condition. Identifiers: MedGen C5924204, MONDO:7770004.

Allele frequency attached by ClinVar (database versions not stated): gnomAD below 0.00001 and 0.00001; gnomAD exomes 0.00001 and 0.00003; 1000 Genomes Project 30x 0.00016; 1000 Genomes Project 0.00020; ExAC 0.00005.
gnomAD v4.1: 11 of 1,613,012 alleles (0.00068%); highest among the groups gnomAD compares: South Asian, 0.0088%; no homozygotes.

Submissions (11):

Women's Health and Genetics/Laboratory Corporation of America, LabCorp
Classification: Uncertain significance. Last evaluated: 2025-12-16. Review status: criteria provided, single submitter. Criteria: LabCorp Variant Classification Summary - May 2015. Collection method: clinical testing. Allele origin: germline.
Comment: Variant summary: CFTR c.1331T>C (p.Ile444Thr) results in a non-conservative amino acid change located in the ABC transporter-like, ATP-binding domain (IPR003239) of the encoded protein sequence. Algorithms developed to predict the effect of missense changes on protein structure and function all suggest that this variant is likely to be disruptive. The variant allele was found at a frequency of 2.9e-05 in 242776 control chromosomes. The available data on variant occurrences in the general population are insufficient to allow any conclusion about variant significance. c.1331T>C has been reported at a heterozygous state, without second variant in CFTR in several individuals affected with congenital absence of vas deferens (example, Steiner_2011, Akinsal_2018, Gaikwad_2020). These report(s) do not provide unequivocal conclusions about association of the variant with Cystic Fibrosis. To our knowledge, no experimental evidence demonstrating an impact on protein function has been reported. The following publications have been ascertained in the context of this evaluation (PMID: 29484681, 34145097, 21520337). ClinVar contains an entry for this variant (Variation ID: 551988). Based on the evidence outlined above, the variant was classified as uncertain significance.

Neuberg Centre For Genomic Medicine, NCGM
Classification: Uncertain significance for Cystic fibrosis. Last evaluated: 2023-06-22. Review status: criteria provided, single submitter. Criteria: ACMG Guidelines, 2015. Collection method: clinical testing. Allele origin: germline. Inheritance: Autosomal recessive inheritance. Affected: yes.
Comment: The missense c.1331T>C (p.Ile444Thr) variant in CFTR gene has not been previously reported in individual affected with Cystic fibrosis (Gaikwad A et al. 2020). The p.Ile444Thr variant present with allele frequency of 0.003% in gnomAD Exomes. This variant has been submitted to the ClinVar database as Likely Pathogenic /Uncertain Significance (multiple submission). Multiple lines of computational evidence (Polyphen - Probably damaging, SIFT – Damaging and Mutation Taster - Disease causing) predict a damaging effect on protein structure and function for this variant. The reference amino acid at this position on CFTR gene is predicted as conserved by GERP++ and PhyloP across 100 vertebrates. The amino acid Ile at position 444 is changed to a Thr changing protein sequence and it might alter its composition and physico-chemical properties. Functional studies are required to prove the pathogenicity for the variant, for these reasons, this variant has been classified as Variant of Uncertain Significance (VUS). In the absence of another reportable variant in CFTR gene, the molecular diagnosis is not confirmed.

Institute of Human Genetics, University of Leipzig Medical Center
Classification: Likely pathogenic for Cystic fibrosis. Last evaluated: 2022-09-05. Review status: criteria provided, single submitter. Criteria: ACMG Guidelines, 2015. Collection method: curation. Allele origin: unknown. Affected: yes. Observed: 1 variant allele.
Comment: The variant was classified in the context of a project re-classifying variants in the German Cystic Fibrosis Registry (Muko.e.V.). Criteria applied: PM2_SUP, PM3, PM5, PP3, PP4

Ambry Genetics
Classification: Uncertain significance for Cystic fibrosis. Last evaluated: 2021-10-13. Review status: criteria provided, single submitter. Criteria: Ambry Variant Classification Scheme 2023. Collection method: clinical testing. Allele origin: germline.
Comment: The p.I444T variant (also known as c.1331T>C), located in coding exon 10 of the CFTR gene, results from a T to C substitution at nucleotide position 1331. The isoleucine at codon 444 is replaced by threonine, an amino acid with similar properties. This variant was detected in the heterozygous state in multiple individuals with congenital absence of the vas deferens (CAVD); however, a second mutation was not identified (Steiner B et al. Hum Mutat, 2011 Aug;32:912-20; Akinsal EC et al. Andrologia, 2018 Feb; Gaikwad A et al. Indian J Med Res, 2020 Dec;152:575-583). This amino acid position is highly conserved in available vertebrate species. In addition, this alteration is predicted to be deleterious by in silico analysis. Since supporting evidence is limited at this time, the clinical significance of this alteration remains unclear.

Genome-Nilou Lab
Classification: Uncertain significance for Cystic fibrosis. Last evaluated: 2021-09-05. Review status: criteria provided, single submitter. Criteria: ACMG Guidelines, 2015. Collection method: clinical testing. Allele origin: germline. Affected: no.

Labcorp Genetics (formerly Invitae), Labcorp
Classification: Uncertain significance for Cystic fibrosis. Last evaluated: 2021-08-31. Review status: criteria provided, single submitter. Criteria: Invitae Variant Classification Sherloc (09022015). Collection method: clinical testing. Allele origin: germline.
Comment: This sequence change replaces isoleucine with threonine at codon 444 of the CFTR protein (p.Ile444Thr). The isoleucine residue is highly conserved and there is a moderate physicochemical difference between isoleucine and threonine. The frequency data for this variant in the population databases is considered unreliable, as metrics indicate poor data quality at this position in the ExAC database. This missense change has been observed in individual(s) with congenital bilateralabsence of the vas deferens (CBAVD) (PMID: 21520337). Algorithms developed to predict the effect of missense changes on protein structure and function (SIFT, PolyPhen-2, Align-GVGD) all suggest that this variant is likely to be disruptive. In summary, the available evidence is currently insufficient to determine the role of this variant in disease. Therefore, it has been classified as a Variant of Uncertain Significance.

GeneDx
Classification: Uncertain significance. Last evaluated: 2021-03-23. Review status: criteria provided, single submitter. Criteria: GeneDx Variant Classification Process June 2021. Collection method: clinical testing. Allele origin: germline. Affected: yes.
Comment: Observed with a pathogenic variant on the opposite allele (in trans) or with another variant for which phase was unknown in multiple patients with congenital absence of vas deferens in the published literature and in a reputable database (Claustres 2017, Akinsal 2018); In silico analysis supports that this missense variant has a deleterious effect on protein structure/function; This variant is associated with the following publications: (PMID: 29484681, 21520337)

Revvity Omics, Revvity
Classification: Uncertain significance. Last evaluated: 2019-12-13. Review status: criteria provided, single submitter. Criteria: ACMG Guidelines, 2015. Collection method: clinical testing. Allele origin: germline.

Eurofins Ntd Llc (ga)
Classification: Uncertain significance. Last evaluated: 2017-12-21. Review status: criteria provided, single submitter. Criteria: EGL Classification Definitions 2015. Collection method: clinical testing. Allele origin: germline. Observed: 1 variant allele, 1 heterozygote.

Natera, Inc.
Classification: Uncertain significance for CFTR-related disorders. Last evaluated: 2019-01-07. Review status: no assertion criteria provided. Collection method: clinical testing. Allele origin: germline. Not counted in ClinVar's aggregate classification.

Counsyl
Classification: Uncertain significance for Cystic fibrosis. Last evaluated: 2017-05-12. Review status: no assertion criteria provided. Collection method: clinical testing. Allele origin: unknown. Not counted in ClinVar's aggregate classification.

Literature cited by the submitters: PubMed 21520337 (cited by 3 submitters); PubMed 29484681 (cited by Women's Health and Genetics/Laboratory Corporation of America, LabCorp and Ambry Genetics); PubMed 34145097 (cited by Women's Health and Genetics/Laboratory Corporation of America, LabCorp and Ambry Genetics); PubMed 20059485 (cited by Ambry Genetics).